The following is an entry in ClinVar:

ClinVar aggregate classification (germline): Uncertain significance (1 of 4 stars; one submission).

gnomAD v4.1: 2 of 1,594,974 alleles (0.00013%); highest among the groups gnomAD compares: African/African-American, 0.0027%; no homozygotes.

Submission:

Labcorp Genetics (formerly Invitae), Labcorp
Classification: Uncertain significance. Last evaluated: 2021-12-21. Review status: criteria provided, single submitter. Criteria: Invitae Variant Classification Sherloc (09022015). Collection method: clinical testing. Allele origin: germline.
Comment: In summary, the available evidence is currently insufficient to determine the role of this variant in disease. Therefore, it has been classified as a Variant of Uncertain Significance. Algorithms developed to predict the effect of missense changes on protein structure and function are either unavailable or do not agree on the potential impact of this missense change (SIFT: "Deleterious"; PolyPhen-2: "Possibly Damaging"; Align-GVGD: "Class C0"). This variant has not been reported in the literature in individuals affected with ERBIN-related conditions. This variant is present in population databases (no rsID available, gnomAD 0.004%). This sequence change replaces glutamine, which is neutral and polar, with arginine, which is basic and polar, at codon 320 of the ERBIN protein (p.Gln320Arg).

NM_001253697.2(ERBIN):c.959A>G (p.Gln320Arg)

Gene: ERBIN (erbb2 interacting protein; plus strand). Cytogenetic location: 5q12.3.
Variant type: single nucleotide variant.
Coding change: c.959A>G on transcript NM_001253697.2 (MANE Select); coding-DNA position 959, A replaced by G.
Protein change: p.Gln320Arg; replaces glutamine 320 with arginine.
Molecular consequence: missense variant.
Genome position (GRCh38, 1-based): chr5:66,025,916, A>G. VCF-style: chr5-66025916-A-G. GRCh37 (hg19) VCF-style: chr5-65321744-A-G.
Other names: c.959A>G, p.Gln320Arg (NM_001006600.3, NM_001253698.2, NM_001253699.2 and 2 more transcripts); short protein forms Q320R.
Identifiers: ClinVar variation 2041775 (VCV002041775.4), dbSNP rs201928607, ClinGen allele CA359975316.